The following is an entry in ClinVar:

ClinVar aggregate classification (germline): Conflicting classifications of pathogenicity. Review status: criteria provided, conflicting classifications (1 of 4 stars). 5 submissions from 5 submitters: Uncertain significance (1); Likely benign (4). Last evaluated 2025-11-21.

Conditions:
Familial thoracic aortic aneurysm and aortic dissection (TAAD). Also called: Thoracic aortic aneurysms and dissections. Identifiers: Orphanet 91387, MedGen C4707243, MONDO:0019625.
Aortic aneurysm, familial thoracic 4 (AAT4). Also called: AORTIC ANEURYSM/AORTIC DISSECTION AND PATENT DUCTUS ARTERIOSUS. Identifiers: MedGen C1851504, MONDO:0007568, OMIM 132900.

Allele frequency attached by ClinVar (database versions not stated): TOPMed 0.00001.
gnomAD v4.1: 13 of 1,613,716 alleles (0.00081%); highest among the groups gnomAD compares: Admixed American, 0.0083%; no homozygotes.

Submissions (5):

Labcorp Genetics (formerly Invitae), Labcorp
Classification: Likely benign for Aortic aneurysm, familial thoracic 4. Last evaluated: 2025-11-21. Review status: criteria provided, single submitter. Criteria: Invitae Variant Classification Sherloc (09022015). Collection method: clinical testing. Allele origin: germline.

All of Us Research Program, National Institutes of Health
Classification: Likely benign for Familial thoracic aortic aneurysm and aortic dissection. Last evaluated: 2023-09-17. Review status: criteria provided, single submitter. Criteria: ACMG Guidelines, 2015. Collection method: clinical testing. Allele origin: germline. Inheritance: Autosomal dominant inheritance. Observed: 1 variant allele, 1 heterozygote.
Comment: This study involves interpretation of variants in research participants for the purpose of population health screening. Participant phenotype was not available at the time of variant classification. Additional details can be found in publication PMID: 35346344, PMCID: PMC8962531

Ambry Genetics
Classification: Likely benign for Familial thoracic aortic aneurysm and aortic dissection. Last evaluated: 2020-08-09. Review status: criteria provided, single submitter. Criteria: Ambry Variant Classification Scheme 2023. Collection method: clinical testing. Allele origin: germline.

Color Diagnostics, LLC DBA Color Health
Classification: Likely benign for Familial thoracic aortic aneurysm and aortic dissection. Last evaluated: 2020-08-03. Review status: criteria provided, single submitter. Criteria: ACMG Guidelines, 2015. Collection method: clinical testing. Allele origin: germline.

Illumina Laboratory Services, Illumina
Classification: Uncertain significance for Aortic aneurysm, familial thoracic 4. Last evaluated: 2018-01-12. Review status: criteria provided, single submitter. Criteria: ICSL Variant Classification Criteria 13 December 2019. Collection method: clinical testing. Allele origin: germline.

NM_002474.3(MYH11):c.3255G>A (p.Leu1085=)

Gene: MYH11 (myosin heavy chain 11; minus strand). Cytogenetic location: 16p13.11.
Variant type: single nucleotide variant.
Coding change: c.3255G>A on transcript NM_002474.3 (MANE Select); coding-DNA position 3255, G replaced by A.
Protein change: p.Leu1085=; no amino-acid change (leucine 1085 retained).
Molecular consequence: synonymous variant.
Genome position (GRCh38, 1-based): chr16:15,737,487, C>T on the plus strand (G>A on the coding strand, the complement: MYH11 is on the minus strand). VCF-style: chr16-15737487-C-T. GRCh37 (hg19) VCF-style: chr16-15831344-C-T.
Other names: c.3276G>A, p.Leu1092= (NM_001040113.2, NM_001040114.2); c.3255G>A, p.Leu1085= (NM_022844.3).
Identifiers: ClinVar variation 709015 (VCV000709015.17), dbSNP rs768298662, ClinGen allele CA7922053.